The following is an entry in ClinVar:

ClinVar aggregate classification (germline): Likely benign. Review status: criteria provided, multiple submitters, no conflicts (2 of 4 stars). 2 submissions from 2 submitters: Likely benign (2). Last evaluated 2026-08-01.

Conditions:
Inborn genetic diseases. Identifiers: MedGen C0950123, MeSH D030342.

Submissions (2):

CeGaT Center for Human Genetics Tuebingen
Classification: Likely benign. Last evaluated: 2026-08-01. Review status: criteria provided, single submitter. Criteria: CeGaT Center For Human Genetics Tuebingen Variant Classification Criteria Version 2. Collection method: clinical testing. Allele origin: germline. Affected: yes. Observed: 2 variant alleles.
Comment: CACNA1A: PM4, BS1

Ambry Genetics
Classification: Likely benign for Inborn genetic diseases. Last evaluated: 2023-03-27. Review status: criteria provided, single submitter. Criteria: Ambry Variant Classification Scheme 2023. Collection method: clinical testing. Allele origin: germline.

NM_001127222.2(CACNA1A):c.6661_6662insACCCCC (p.Pro2220_Pro2221insHisPro)

Gene: CACNA1A (calcium voltage-gated channel subunit alpha1 A; minus strand). Cytogenetic location: 19p13.13.
Variant type: Microsatellite.
Coding change: c.6661_6662insACCCCC on transcript NM_001127222.2 (MANE Select); coding-DNA positions 6661 to 6662, ACCCCC inserted.
Protein change: p.Pro2220_Pro2221insHisPro.
Molecular consequence: inframe insertion. On other transcripts: synonymous variant (2).
Genome position: GRCh38 VCF-style: chr19-13208874-G-GGGGGGT. GRCh37 (hg19) VCF-style: chr19-13319688-G-GGGGGGT.
Other names: c.6664_6665insACCCCC (NM_001127221.1); c.6679_6680insACCCCC, p.Pro2226_Pro2227insHisPro (NM_000068.4, NM_023035.3); c.6661_6661C[5], p.Pro2221_Pro2222= (NM_001127221.1); c.6664_6665insACCCCC, p.Pro2221_Pro2222insHisPro (NM_001127221.2); c.6670_6671insACCCCC, p.Pro2223_Pro2224insHisPro (NM_001174080.2).
Identifiers: ClinVar variation 2514783 (VCV002514783.6), dbSNP rs1241272699.